The following is an entry in ClinVar:

ClinVar aggregate classification (germline): Pathogenic (3 of 4 stars; one submission).

Conditions:
Breast-ovarian cancer, familial, susceptibility to, 1 (BROVCA1). Also called: BRCA1 Hereditary Breast and Ovarian Cancer; OVARIAN CANCER, SUSCEPTIBILITY TO. Identifiers: Orphanet 145, MedGen C2676676, MONDO:0011450, OMIM 604370. Disease mechanism: loss of function.

Allele frequency attached by ClinVar (database versions not stated): gnomAD exomes below 0.00001; ExAC 0.00001.

Submission:

Evidence-based Network for the Interpretation of Germline Mutant Alleles (ENIGMA)
Classification: Pathogenic for Breast-ovarian cancer, familial, susceptibility to, 1. Last evaluated: 2016-09-08. Review status: reviewed by expert panel. Criteria: ENIGMA BRCA1/2 Classification Criteria (2015). Collection method: curation. Allele origin: germline.
Comment: Variant allele predicted to encode a truncated non-functional protein.

NM_007294.4(BRCA1):c.1839_1840del (p.Lys614fs)

Gene: BRCA1 (BRCA1 DNA repair associated; minus strand). Cytogenetic location: 17q21.31.
Variant type: Deletion.
Coding change: c.1839_1840del on transcript NM_007294.4 (MANE Select); coding-DNA positions 1839 to 1840, 2 bases deleted (GA; older notation c.1839_1840delGA).
Protein change: p.Lys614fs; shifts the reading frame from lysine 614.
Molecular consequence: frameshift variant. On other transcripts: intron variant (137).
Genome position (GRCh38, 1-based): chr17:43,093,691-43,093,692, TC deleted on the plus strand (GA on the coding strand, the reverse complement: BRCA1 is on the minus strand). VCF-style (leftmost placement, unchanged base first): chr17-43093690-TTC-T. GRCh37 (hg19) VCF-style: chr17-41245707-TTC-T.
Other names: c.1626_1627del, p.Lys543fs (NM_001407571.1, NM_001407897.1, NM_001407898.1 and 9 more transcripts); c.1839_1840del, p.Lys614fs (NM_001407581.1, NM_001407582.1, NM_001407583.1 and 30 more transcripts); c.1836_1837del, p.Lys613fs (NM_001407587.1, NM_001407590.1, NM_001407591.1 and 22 more transcripts); c.1761_1762del, p.Lys588fs (NM_001407654.1, NM_001407655.1, NM_001407656.1 and 4 more transcripts); c.1758_1759del, p.Lys587fs (NM_001407659.1, NM_001407660.1, NM_001407661.1 and 1 more transcripts); c.1713_1714del, p.Lys572fs (NM_001407672.1, NM_001407673.1, NM_001407690.1 and 11 more transcripts); c.1716_1717del, p.Lys573fs (NM_001407674.1, NM_001407675.1, NM_001407676.1 and 19 more transcripts); c.1698_1699del, p.Lys567fs (NM_001407692.1, NM_001407694.1, NM_001407695.1 and 29 more transcripts); and 40 more; short protein forms K567fs, K614fs, K543fs, K547fs, K587fs, K525fs, K566fs, K613fs.
Identifiers: ClinVar variation 254399 (VCV000254399.3), dbSNP rs752474843, ClinGen allele CA057553.
Genomic context (GRCh38, chr17:43,093,690, plus strand): 5'-GGTGGGCTTAGATTTCTACTGACTACTAGTTCAAGCGCATGAATATGCCTGGTAGAAGAC[TTC>T]CTCCTCAGCCTATTCTTTTTAGGTGCTTTTGAATTGTGGATATTTAATTCGAGTTCCATA-3'